The following is an entry in ClinVar:

NM_006231.4(POLE):c.627G>C (p.Lys209Asn)

Gene: POLE (DNA polymerase epsilon, catalytic subunit; minus strand). Cytogenetic location: 12q24.33.
Variant type: single nucleotide variant.
Coding change: c.627G>C on transcript NM_006231.4 (MANE Select); coding-DNA position 627, G replaced by C.
Protein change: p.Lys209Asn; replaces lysine 209 with asparagine.
Molecular consequence: missense variant.
Genome position (GRCh38, 1-based): chr12:132,677,671, C>G on the plus strand (G>C on the coding strand, the complement: POLE is on the minus strand). VCF-style: chr12-132677671-C-G. GRCh37 (hg19) VCF-style: chr12-133254257-C-G.
Other names: c.627G>C (NM_006231.2); short protein forms K209N.
Identifiers: ClinVar variation 958045 (VCV000958045.13), dbSNP rs753440288, ClinGen allele CA6894249.

ClinVar aggregate classification (germline): Conflicting classifications of pathogenicity. Review status: criteria provided, conflicting classifications (1 of 4 stars). 3 submissions from 3 submitters: Uncertain significance (2); Likely benign (1). Last evaluated 2025-07-14.

Conditions:
Hereditary cancer-predisposing syndrome. Also called: Tumor predisposition; Hereditary neoplastic syndrome; Neoplastic Syndromes, Hereditary; Hereditary Cancer Syndrome. Identifiers: Orphanet 140162, MedGen C0027672, MeSH D009386, MONDO:0015356.

Allele frequency attached by ClinVar (database versions not stated): gnomAD 0.00001; gnomAD exomes 0.00001 and 0.00002; TOPMed 0.00001; ExAC 0.00002.
gnomAD v4.1: 10 of 1,614,054 alleles (0.00062%); highest among the groups gnomAD compares: East Asian, 0.018%; no homozygotes.

Submissions (3):

Labcorp Genetics (formerly Invitae), Labcorp
Classification: Uncertain significance. Last evaluated: 2025-07-14. Review status: criteria provided, single submitter. Criteria: Invitae Variant Classification Sherloc (09022015). Collection method: clinical testing. Allele origin: germline.
Comment: This sequence change replaces lysine, which is basic and polar, with asparagine, which is neutral and polar, at codon 209 of the POLE protein (p.Lys209Asn). This variant is present in population databases (rs753440288, gnomAD 0.02%). This variant has not been reported in the literature in individuals affected with POLE-related conditions. ClinVar contains an entry for this variant (Variation ID: 958045). Invitae Evidence Modeling of protein sequence and biophysical properties (such as structural, functional, and spatial information, amino acid conservation, physicochemical variation, residue mobility, and thermodynamic stability) indicates that this missense variant is not expected to disrupt POLE protein function with a negative predictive value of 80%. In summary, the available evidence is currently insufficient to determine the role of this variant in disease. Therefore, it has been classified as a Variant of Uncertain Significance.

Ambry Genetics
Classification: Likely benign for Hereditary cancer-predisposing syndrome. Last evaluated: 2024-10-17. Review status: criteria provided, single submitter. Criteria: Ambry Variant Classification Scheme 2023. Collection method: clinical testing. Allele origin: germline.

GeneDx
Classification: Uncertain significance. Last evaluated: 2023-10-16. Review status: criteria provided, single submitter. Criteria: GeneDx Variant Classification Process June 2021. Collection method: clinical testing. Allele origin: germline. Affected: yes.
Comment: Not observed at significant frequency in large population cohorts (gnomAD); In silico analysis supports that this missense variant has a deleterious effect on protein structure/function; Has not been previously published as pathogenic or benign to our knowledge